The following is an entry in ClinVar:

ClinVar aggregate classification (germline): Likely benign. Review status: criteria provided, multiple submitters, no conflicts (2 of 4 stars). 3 submissions from 3 submitters: Likely benign (2). 1 of the submissions does not count toward it. Last evaluated 2026-05-13.

Conditions:
NF1-related disorder. Also called: NF1-related condition. Identifiers: MedGen CN379171.
Neurofibromatosis, type 1 (NF1). Also called: NEUROFIBROMATOSIS, TYPE I, SOMATIC; Neurofibromatosis, type I; VON RECKLINGHAUSEN DISEASE; Peripheral type neurofibromatosis. Identifiers: Orphanet 636, MedGen C0027831, MONDO:0018975, OMIM 162200. Disease mechanism: loss of function.

Allele frequency attached by ClinVar (database versions not stated): gnomAD exomes below 0.00001; ExAC 0.00001.
gnomAD v4.1: 2 of 1,613,366 alleles (0.00012%); highest among the groups gnomAD compares: Non-Finnish European, 0.000085%; no homozygotes.

Submissions (3):

Myriad Genetics, Inc.
Classification: Likely benign for Neurofibromatosis, type 1. Last evaluated: 2026-05-13. Review status: criteria provided, single submitter. Criteria: Myriad Autosomal Dominant, Autosomal Recessive and X-Linked Classification Criteria (2023). Collection method: clinical testing. Allele origin: unknown.
Comment: This variant is considered likely benign. This variant is intronic and is not expected to impact mRNA splicing.

Labcorp Genetics (formerly Invitae), Labcorp
Classification: Likely benign for Neurofibromatosis, type 1. Last evaluated: 2024-10-24. Review status: criteria provided, single submitter. Criteria: Invitae Variant Classification Sherloc (09022015). Collection method: clinical testing. Allele origin: germline.

PreventionGenetics, part of Exact Sciences
Classification: Likely benign for NF1-related condition. Last evaluated: 2023-04-25. Review status: no assertion criteria provided. Collection method: clinical testing. Allele origin: germline. Not counted in ClinVar's aggregate classification.
Comment: This variant is classified as likely benign based on ACMG/AMP sequence variant interpretation guidelines (Richards et al. 2015 PMID: 25741868, with internal and published modifications).

NM_001042492.3(NF1):c.4332+8A>G

Gene: NF1 (neurofibromin 1; plus strand). Cytogenetic location: 17q11.2.
Variant type: single nucleotide variant.
Coding change: c.4332+8A>G on transcript NM_001042492.3 (MANE Select); 8 bases into the intron after coding-DNA position 4332, A replaced by G.
Molecular consequence: intron variant.
Genome position (GRCh38, 1-based): chr17:31,258,510, A>G. VCF-style: chr17-31258510-A-G. GRCh37 (hg19) VCF-style: chr17-29585528-A-G.
Other names: c.4269+8A>G (NM_000267.4); c.4332+8A>G (NM_001042492.2).
Identifiers: ClinVar variation 237562 (VCV000237562.13), dbSNP rs773883353, ClinGen allele CA8486378.